The following is an entry in ClinVar:

ClinVar aggregate classification (germline): Uncertain significance (1 of 4 stars; one submission).

Conditions:
Multiple endocrine neoplasia type 4. Also called: MULTIPLE ENDOCRINE NEOPLASIA, TYPE IV. Identifiers: Orphanet 276152, MedGen C1970712, MONDO:0012552, OMIM 610755.

Submission:

Labcorp Genetics (formerly Invitae), Labcorp
Classification: Uncertain significance for Multiple endocrine neoplasia type 4. Last evaluated: 2022-02-02. Review status: criteria provided, single submitter. Criteria: Invitae Variant Classification Sherloc (09022015). Collection method: clinical testing. Allele origin: germline.
Comment: Algorithms developed to predict the effect of missense changes on protein structure and function (SIFT, PolyPhen-2, Align-GVGD) all suggest that this variant is likely to be disruptive. This variant has not been reported in the literature in individuals affected with CDKN1B-related conditions. This variant is not present in population databases (gnomAD no frequency). This sequence change replaces asparagine, which is neutral and polar, with tyrosine, which is neutral and polar, at codon 31 of the CDKN1B protein (p.Asn31Tyr). RNA analysis performed to evaluate the impact of this missense change on mRNA splicing indicates it does not significantly alter splicing (Invitae). In summary, the available evidence is currently insufficient to determine the role of this variant in disease. Therefore, it has been classified as a Variant of Uncertain Significance.

NM_004064.5(CDKN1B):c.91A>T (p.Asn31Tyr)

Gene: CDKN1B (cyclin dependent kinase inhibitor 1B; plus strand). Cytogenetic location: 12p13.1.
Variant type: single nucleotide variant.
Coding change: c.91A>T on transcript NM_004064.5 (MANE Select); coding-DNA position 91, A replaced by T.
Protein change: p.Asn31Tyr; replaces asparagine 31 with tyrosine.
Molecular consequence: missense variant.
Genome position (GRCh38, 1-based): chr12:12,717,930, A>T. VCF-style: chr12-12717930-A-T. GRCh37 (hg19) VCF-style: chr12-12870864-A-T.
Other names: short protein forms N31Y.
Identifiers: ClinVar variation 2092029 (VCV002092029.4), dbSNP rs2497404007, ClinGen allele CA383968487.